The following is an entry in ClinVar:

ClinVar aggregate classification (germline): Uncertain significance (1 of 4 stars; one submission).

Conditions:
Peroxisome biogenesis disorder 5A (Zellweger) (PBD5A). Identifiers: Orphanet 912, MedGen C3553940, MONDO:0013932, OMIM 614866.

Allele frequency attached by ClinVar (database versions not stated): gnomAD 0.00001; gnomAD exomes 0.00001.
gnomAD v4.1: 20 of 1,613,992 alleles (0.0012%); highest among the groups gnomAD compares: Non-Finnish European, 0.0014%; no homozygotes.

Submission:

Labcorp Genetics (formerly Invitae), Labcorp
Classification: Uncertain significance for Peroxisome biogenesis disorder 5A (Zellweger). Last evaluated: 2021-09-17. Review status: criteria provided, single submitter. Criteria: Invitae Variant Classification Sherloc (09022015). Collection method: clinical testing. Allele origin: germline.
Comment: This sequence change replaces arginine with glycine at codon 193 of the PEX2 protein (p.Arg193Gly). The arginine residue is highly conserved and there is a moderate physicochemical difference between arginine and glycine. This variant is not present in population databases (ExAC no frequency). This variant has not been reported in the literature in individuals with PEX2-related conditions. Algorithms developed to predict the effect of missense changes on protein structure and function (SIFT, PolyPhen-2, Align-GVGD) all suggest that this variant is likely to be disruptive, but these predictions have not been confirmed by published functional studies and their clinical significance is uncertain. In summary, the available evidence is currently insufficient to determine the role of this variant in disease. Therefore, it has been classified as a Variant of Uncertain Significance.

NM_000318.3(PEX2):c.577A>G (p.Arg193Gly)

Gene: PEX2 (peroxisomal biogenesis factor 2; minus strand). Cytogenetic location: 8q21.13.
Variant type: single nucleotide variant.
Coding change: c.577A>G on transcript NM_000318.3 (MANE Select); coding-DNA position 577, A replaced by G.
Protein change: p.Arg193Gly; replaces arginine 193 with glycine.
Molecular consequence: missense variant.
Genome position (GRCh38, 1-based): chr8:76,983,602, T>C on the plus strand (A>G on the coding strand, the complement: PEX2 is on the minus strand). VCF-style: chr8-76983602-T-C. GRCh37 (hg19) VCF-style: chr8-77895838-T-C.
Other names: c.577A>G, p.Arg193Gly (NM_001079867.2, NM_001172086.2, NM_001172087.2); short protein forms R193G.
Identifiers: ClinVar variation 1404831 (VCV001404831.5), dbSNP rs1806905614, ClinGen allele CA371557037.